The following is an entry in ClinVar:

NM_001395159.1(UNC79):c.4669A>T (p.Arg1557Ter)

Gene: UNC79 (unc-79 subunit of NALCN channel complex; plus strand). Cytogenetic location: 14q32.12.
Variant type: single nucleotide variant.
Coding change: c.4669A>T on transcript NM_001395159.1 (MANE Select); coding-DNA position 4669, A replaced by T.
Protein change: p.Arg1557Ter; replaces arginine 1557 with a stop codon.
Molecular consequence: nonsense.
Genome position (GRCh38, 1-based): chr14:93,621,686, A>T. VCF-style: chr14-93621686-A-T. GRCh37 (hg19) VCF-style: chr14-94088032-A-T.
Other names: c.4603A>T, p.Arg1535Ter (NM_001346218.2); c.3922A>T, p.Arg1308Ter (NM_020818.5); short protein forms R1308*, R1535*, R1557*.
Identifiers: ClinVar variation 5031594 (VCV005031594.1).

ClinVar aggregate classification (germline): Pathogenic (1 of 4 stars; one submission).

Conditions:
Inborn genetic diseases. Identifiers: MedGen C0950123, MeSH D030342.

Submission:

Ambry Genetics
Classification: Pathogenic for Inborn genetic diseases. Last evaluated: 2026-07-15. Review status: criteria provided, single submitter. Criteria: Ambry Variant Classification Scheme 2023. Collection method: clinical testing. Allele origin: germline.
Comment: The c.3922A>T (p.R1308*) alteration, located in exon 30 (coding exon 27) of the UNC79 gene, consists of a A to T substitution at nucleotide position 3922. This changes the amino acid from a arginine (R) to a stop codon at amino acid position 1308. This variant is expected to result in loss of function by premature protein truncation or nonsense-mediated mRNA decay. This variant was not reported in population-based cohorts in the Genome Aggregation Database (gnomAD). Based on the available evidence, this alteration is classified as pathogenic.